The following is an entry in ClinVar:

ClinVar aggregate classification (germline): Pathogenic (1 of 4 stars; one submission).

Conditions:
3-Oxo-5 alpha-steroid delta 4-dehydrogenase deficiency (PPSH). Also called: FAMILIAL INCOMPLETE MALE PSEUDOHERMAPHRODITISM, TYPE 2; MALE PSEUDOHERMAPHRODITISM DUE TO 5-ALPHA-REDUCTASE DEFICIENCY; PSEUDOVAGINAL PERINEOSCROTAL HYPOSPADIAS; 46,XY disorder of sex development due to 5-alpha-reductase 2 deficiency. Identifiers: Orphanet 753, MedGen C0268297, MONDO:0009923, OMIM 264600. Disease mechanism: loss of function.

Submission:

Labcorp Genetics (formerly Invitae), Labcorp
Classification: Pathogenic for 3-Oxo-5 alpha-steroid delta 4-dehydrogenase deficiency. Last evaluated: 2023-04-22. Review status: criteria provided, single submitter. Criteria: Invitae Variant Classification Sherloc (09022015). Collection method: clinical testing. Allele origin: germline.
Comment: For these reasons, this variant has been classified as Pathogenic. This variant has not been reported in the literature in individuals affected with SRD5A2-related conditions. This variant is not present in population databases (gnomAD no frequency). This sequence change creates a premature translational stop signal (p.Ala49Profs*82) in the SRD5A2 gene. It is expected to result in an absent or disrupted protein product. Loss-of-function variants in SRD5A2 are known to be pathogenic (PMID: 1406794, 1944596).

Literature cited by the submitters: PubMed 1406794; PubMed 1944596.

NM_000348.4(SRD5A2):c.144del (p.Ala49fs)

Gene: SRD5A2 (steroid 5 alpha-reductase 2; minus strand). Cytogenetic location: 2p23.1.
Variant type: Deletion.
Coding change: c.144del on transcript NM_000348.4 (MANE Select); coding-DNA position 144, one base deleted (A; older notation c.144delA).
Protein change: p.Ala49fs; shifts the reading frame from alanine 49.
Molecular consequence: frameshift variant.
Genome position (GRCh38, 1-based): chr2:31,580,757, T deleted on the plus strand (A on the coding strand, the reverse complement: SRD5A2 is on the minus strand). VCF-style (leftmost placement, unchanged base first): chr2-31580756-CT-C. GRCh37 (hg19) VCF-style: chr2-31805826-CT-C.
Other names: short protein forms A49fs.
Identifiers: ClinVar variation 2858235 (VCV002858235.3), dbSNP rs2465708443, ClinGen allele CA2739274290.